The following is an entry in ClinVar:

NM_014915.3(ANKRD26):c.1468C>A (p.Pro490Thr)

Gene: ANKRD26 (ankyrin repeat domain containing 26; minus strand). Cytogenetic location: 10p12.1.
Variant type: single nucleotide variant.
Coding change: c.1468C>A on transcript NM_014915.3 (MANE Select); coding-DNA position 1468, C replaced by A.
Protein change: p.Pro490Thr; replaces proline 490 with threonine.
Molecular consequence: missense variant.
Genome position (GRCh38, 1-based): chr10:27,060,535, G>T on the plus strand (C>A on the coding strand, the complement: ANKRD26 is on the minus strand). VCF-style: chr10-27060535-G-T. GRCh37 (hg19) VCF-style: chr10-27349464-G-T.
Other names: c.1468C>A, p.Pro490Thr (NM_001256053.2); short protein forms P490T.
Identifiers: ClinVar variation 3869430 (VCV003869430.1).

ClinVar aggregate classification (germline): Uncertain significance (1 of 4 stars; one submission).

Conditions:
Inborn genetic diseases. Identifiers: MedGen C0950123, MeSH D030342.

gnomAD v4.1: 8 of 1,540,862 alleles (0.00052%); highest among the groups gnomAD compares: Non-Finnish European, 0.00072%; no homozygotes.

Submission:

Ambry Genetics
Classification: Uncertain significance for Inborn genetic diseases. Last evaluated: 2024-12-20. Review status: criteria provided, single submitter. Criteria: Ambry Variant Classification Scheme 2023. Collection method: clinical testing. Allele origin: germline.
Comment: The p.P490T variant (also known as c.1468C>A), located in coding exon 14 of the ANKRD26 gene, results from a C to A substitution at nucleotide position 1468. The proline at codon 490 is replaced by threonine, an amino acid with highly similar properties. This amino acid position is conserved. In addition, this alteration is predicted to be tolerated by in silico analysis. Based on the available evidence, the clinical significance of this variant remains unclear.